The following is an entry in ClinVar:

ClinVar aggregate classification (germline): Uncertain significance (1 of 4 stars; one submission).

Conditions:
Epilepsy, familial focal, with variable foci 3 (FFEVF3). Identifiers: MedGen C4310708, MONDO:0014925, OMIM 617118.

Allele frequency attached by ClinVar (database versions not stated): gnomAD exomes below 0.00001.
gnomAD v4.1: 1 of 1,613,954 alleles (0.000062%); highest among the groups gnomAD compares: African/African-American, 0.0013%; no homozygotes.

Submission:

Labcorp Genetics (formerly Invitae), Labcorp
Classification: Uncertain significance for Epilepsy, familial focal, with variable foci 3. Last evaluated: 2023-10-22. Review status: criteria provided, single submitter. Criteria: Invitae Variant Classification Sherloc (09022015). Collection method: clinical testing. Allele origin: germline.
Comment: This sequence change replaces serine, which is neutral and polar, with arginine, which is basic and polar, at codon 265 of the NPRL3 protein (p.Ser265Arg). This variant is not present in population databases (gnomAD no frequency). This variant has not been reported in the literature in individuals affected with NPRL3-related conditions. Advanced modeling of protein sequence and biophysical properties (such as structural, functional, and spatial information, amino acid conservation, physicochemical variation, residue mobility, and thermodynamic stability) performed at Invitae indicates that this missense variant is not expected to disrupt NPRL3 protein function. In summary, the available evidence is currently insufficient to determine the role of this variant in disease. Therefore, it has been classified as a Variant of Uncertain Significance.

NM_001077350.3(NPRL3):c.795T>G (p.Ser265Arg)

Genes: HBA-LCR (alpha-globin locus control region; plus strand), NPRL3 (NPR3 like, GATOR1 complex subunit; minus strand). Cytogenetic location: 16p13.3.
Variant type: single nucleotide variant.
Coding change: c.795T>G on transcript NM_001077350.3 (MANE Select); coding-DNA position 795, T replaced by G.
Protein change: p.Ser265Arg; replaces serine 265 with arginine.
Molecular consequence: missense variant.
Genome position (GRCh38, 1-based): chr16:98,274, A>C on the plus strand (T>G on the coding strand, the complement: NPRL3 is on the minus strand). VCF-style: chr16-98274-A-C. GRCh37 (hg19) VCF-style: chr16-148272-A-C.
Other names: c.258T>G, p.Ser86Arg (NM_001039476.3); c.561T>G, p.Ser187Arg (NM_001243247.2); c.720T>G, p.Ser240Arg (NM_001243248.2, NM_001243249.2); short protein forms S187R, S240R, S265R, S86R.
Identifiers: ClinVar variation 2770594 (VCV002770594.3), dbSNP rs2542826494, ClinGen allele CA394055738.